The following is an entry in ClinVar:

ClinVar aggregate classification (germline): Uncertain significance (1 of 4 stars; one submission).

Conditions:
Pancreatic adenocarcinoma. Identifiers: MedGen C0281361, MONDO:0006047, HP:0006725.

Submission:

Labcorp Genetics (formerly Invitae), Labcorp
Classification: Uncertain significance for Pancreatic adenocarcinoma. Last evaluated: 2024-05-13. Review status: criteria provided, single submitter. Criteria: Invitae Variant Classification Sherloc (09022015). Collection method: clinical testing. Allele origin: germline.
Comment: This sequence change replaces glycine, which is neutral and non-polar, with aspartic acid, which is acidic and polar, at codon 39 of the PALLD protein (p.Gly39Asp). This variant is not present in population databases (gnomAD no frequency). This variant has not been reported in the literature in individuals affected with PALLD-related conditions. An algorithm developed to predict the effect of missense changes on protein structure and function (PolyPhen-2) suggests that this variant is likely to be disruptive. In summary, the available evidence is currently insufficient to determine the role of this variant in disease. Therefore, it has been classified as a Variant of Uncertain Significance.

NM_001166108.2(PALLD):c.1965-12915G>A

Gene: PALLD (palladin, cytoskeletal associated protein; plus strand). Cytogenetic location: 4q32.3.
Variant type: single nucleotide variant.
Coding change: c.1965-12915G>A on transcript NM_001166108.2 (MANE Select); 12915 bases into the intron before coding-DNA position 1965, G replaced by A.
Molecular consequence: intron variant. On other transcripts: missense variant (1).
Genome position (GRCh38, 1-based): chr4:168,878,007, G>A. VCF-style: chr4-168878007-G-A. GRCh37 (hg19) VCF-style: chr4-169799158-G-A.
Other names: c.116G>A, p.Gly39Asp (NM_001166110.2); c.1965-12915G>A (NM_016081.4); c.819-12915G>A (NM_001166109.2); c.-157-12915G>A (NM_001367570.1, NM_001367568.1, NM_001367567.1 and 1 more transcripts); short protein forms G39D.
Identifiers: ClinVar variation 3702748 (VCV003702748.2).